The following is an entry in ClinVar:

ClinVar aggregate classification (germline): Likely pathogenic (1 of 4 stars; one submission).

Conditions:
Encephalopathy-hypertrophic cardiomyopathy-renal tubular disease syndrome. Identifiers: Orphanet 319678, MedGen C3553374, MONDO:0013840, OMIM 614654.

Submission:

Variantyx, Inc.
Classification: Likely pathogenic for Encephalopathy-hypertrophic cardiomyopathy-renal tubular disease syndrome. Last evaluated: 2025-06-18. Review status: criteria provided, single submitter. Criteria: Variantyx Assertion Criteria 2022. Collection method: clinical testing. Allele origin: germline. Inheritance: Autosomal recessive inheritance. Affected: no.
Comment: This is a canonical splicing variant in the COQ9 gene (OMIM: 612837). Pathogenic variants in this gene have been associated with autosomal recessive primary coenzyme Q10 deficiency 5. This splicing variant is expected to result in loss of function, which is a known disease mechanism for COQ9 in this disorder (PMID: 19375058, 26081641, 29560582) (PVS1). Te alteration has a 0.0021% maximum allele frequency in non-founder control populations (PM2). Based on the current evidence, this variant is classified as likely pathogenic for autosomal recessive primary coenzyme Q10 deficiency 5.

Literature cited by the submitters: PubMed 19375058; PubMed 26081641; PubMed 29560582.

NM_020312.4(COQ9):c.521+2dup

Gene: COQ9 (coenzyme Q9; plus strand). Cytogenetic location: 16q21.
Variant type: Duplication.
Coding change: c.521+2dup on transcript NM_020312.4 (MANE Select); the canonical splice donor site of the intron after coding-DNA position 521, one base duplicated (T; older notation c.521+2dupT).
Molecular consequence: splice donor variant.
Genome position (GRCh38, 1-based): chr16:57,456,648, T duplicated. VCF-style (leftmost placement, unchanged base first): chr16-57456647-G-GT. GRCh37 (hg19) VCF-style: chr16-57490559-G-GT.
Other names: c.521+2dupT (NM_020312.4).
Identifiers: ClinVar variation 4850048 (VCV004850048.1).
Genomic context (GRCh38, chr16:57,456,647, plus strand): 5'-TACCCGGCTCACACGTGTGCTAGAAGAGGAGCAGAAGCTGGTACAGTTGGGCCAGGCGGA[G>GT]TAAGTCCCATGGCATTACTACTCAGGGTGGCAGCTAAGGATCAGGGAACTTGGGCCCTAC-3'